The following is an entry in ClinVar:

NM_018026.4(PACS1):c.577A>G (p.Met193Val)

Gene: PACS1 (phosphofurin acidic cluster sorting protein 1; plus strand). Cytogenetic location: 11q13.2.
Variant type: single nucleotide variant.
Coding change: c.577A>G on transcript NM_018026.4 (MANE Select); coding-DNA position 577, A replaced by G.
Protein change: p.Met193Val; replaces methionine 193 with valine.
Molecular consequence: missense variant.
Genome position (GRCh38, 1-based): chr11:66,211,176, A>G. VCF-style: chr11-66211176-A-G. GRCh37 (hg19) VCF-style: chr11-65978647-A-G.
Other names: short protein forms M193V.
Identifiers: ClinVar variation 1315043 (VCV001315043.3), dbSNP rs1855062812, ClinGen allele CA381341871.

ClinVar aggregate classification (germline): Uncertain significance (1 of 4 stars; one submission).

Allele frequency attached by ClinVar (database versions not stated): TOPMed below 0.00001.

Submission:

GeneDx
Classification: Uncertain significance. Last evaluated: 2023-11-09. Review status: criteria provided, single submitter. Criteria: GeneDx Variant Classification Process June 2021. Collection method: clinical testing. Allele origin: germline. Affected: yes.
Comment: Not observed in large population cohorts (gnomAD); In silico analysis, which includes protein predictors and evolutionary conservation, supports a deleterious effect; Has not been previously published as pathogenic or benign to our knowledge